The following is an entry in ClinVar:

ClinVar aggregate classification (germline): Likely benign (1 of 4 stars; one submission).

Conditions:
CHEK2-related cancer predisposition (TPDS4). Also called: TUMOR PREDISPOSITION SYNDROME 4; CANCER PREDISPOSITION SYNDROME, CHEK2-RELATED; CHEK2-related cancer susceptibility. Identifiers: Orphanet 524, MedGen C5882668, MONDO:0700271, OMIM 609265.

gnomAD v4.1: 458 of 930,592 alleles (0.049%); highest among the groups gnomAD compares: Non-Finnish European, 0.068%; no homozygotes.

Submission:

Dipartimento Di Medicina Di Precisione, Università Degli Studi Della Campania Luigi Vanvitelli
Classification: Likely benign for CHEK2-related cancer predisposition. Last evaluated: 2025-09-26. Review status: criteria provided, single submitter. Criteria: ACMG Guidelines, 2015. Collection method: clinical testing. Allele origin: germline. Inheritance: Autosomal dominant inheritance. Affected: yes. Observed: 1 heterozygote.
Comment: The variant NM_007194.4(CHEK2):c.684-86A>G is an intronic change in intron 5, 86 nucleotides upstream of exon 6. This variant was reported in the 2025 study Prevalence of MUTYH Monoallelic Variants in Patients With Hereditary Cancer Using Multigene Panel Testing, where it was classified as Likely Benign (LB). Computational splicing predictions and population frequency data support a non-pathogenic effect. No functional or segregation data are currently available.

Literature cited by the submitters: DOI 10.1002/cam4.71231.

NM_007194.4(CHEK2):c.684-86A>G

Gene: CHEK2 (checkpoint kinase 2; minus strand). Cytogenetic location: 22q12.1.
Variant type: single nucleotide variant.
Coding change: c.684-86A>G on transcript NM_007194.4 (MANE Select); 86 bases into the intron before coding-DNA position 684, A replaced by G.
Molecular consequence: intron variant.
Genome position (GRCh38, 1-based): chr22:28,712,103, T>C on the plus strand (A>G on the coding strand, the complement: CHEK2 is on the minus strand). VCF-style: chr22-28712103-T-C. GRCh37 (hg19) VCF-style: chr22-29108091-T-C.
Other names: c.21-86A>G (NM_001437942.1, NM_001257387.3); c.483-86A>G (NM_001349956.3); c.684-86A>G (NM_145862.3); c.777-86A>G (NM_001438295.1, NM_001438293.1); c.813-86A>G (NM_001438294.1, NM_001005735.3).
Identifiers: ClinVar variation 4280722 (VCV004280722.1).